The following is an entry in ClinVar:

NM_002354.3(EPCAM):c.280C>G (p.Leu94Val)

Gene: EPCAM (epithelial cell adhesion molecule; plus strand). Cytogenetic location: 2p21.
Variant type: single nucleotide variant.
Coding change: c.280C>G on transcript NM_002354.3 (MANE Select); coding-DNA position 280, C replaced by G.
Protein change: p.Leu94Val; replaces leucine 94 with valine.
Molecular consequence: missense variant.
Genome position (GRCh38, 1-based): chr2:47,373,903, C>G. VCF-style: chr2-47373903-C-G. GRCh37 (hg19) VCF-style: chr2-47601042-C-G.
Other names: short protein forms L94V.
Identifiers: ClinVar variation 1796311 (VCV001796311.3), dbSNP rs2465457044, ClinGen allele CA346723041.

ClinVar aggregate classification (germline): Uncertain significance (1 of 4 stars; one submission).

Conditions:
Hereditary cancer-predisposing syndrome. Also called: Tumor predisposition; Hereditary Cancer Syndrome; Neoplastic Syndromes, Hereditary; Hereditary neoplastic syndrome. Identifiers: Orphanet 140162, MedGen C0027672, MeSH D009386, MONDO:0015356.

Submission:

Ambry Genetics
Classification: Uncertain significance for Hereditary cancer-predisposing syndrome. Last evaluated: 2024-12-27. Review status: criteria provided, single submitter. Criteria: Ambry Variant Classification Scheme 2023. Collection method: clinical testing. Allele origin: germline.
Comment: The p.L94V variant (also known as c.280C>G), located in coding exon 3 of the EPCAM gene, results from a C to G substitution at nucleotide position 280. The leucine at codon 94 is replaced by valine, an amino acid with highly similar properties. This amino acid position is conserved. In addition, this alteration is predicted to be tolerated by in silico analysis. Since supporting evidence is limited at this time, the clinical significance of this alteration remains unclear.